The following is an entry in ClinVar:

ClinVar aggregate classification (germline): Uncertain significance. Review status: criteria provided, multiple submitters, no conflicts (2 of 4 stars). 2 submissions from 2 submitters: Uncertain significance (2). Last evaluated 2025-01-23.

Allele frequency attached by ClinVar (database versions not stated): gnomAD 0.00003; TOPMed 0.00005; ExAC 0.00006.
gnomAD v4.1: 77 of 1,612,450 alleles (0.0048%); highest among the groups gnomAD compares: Middle Eastern, 0.13%; no homozygotes.

Submissions (2):

Labcorp Genetics (formerly Invitae), Labcorp
Classification: Uncertain significance. Last evaluated: 2025-01-23. Review status: criteria provided, single submitter. Criteria: Invitae Variant Classification Sherloc (09022015). Collection method: clinical testing. Allele origin: germline.
Comment: This sequence change replaces aspartic acid, which is acidic and polar, with glycine, which is neutral and non-polar, at codon 1372 of the ZDBF2 protein (p.Asp1372Gly). This variant is present in population databases (rs747341384, gnomAD 0.03%). This variant has not been reported in the literature in individuals affected with ZDBF2-related conditions. ClinVar contains an entry for this variant (Variation ID: 2293324). An algorithm developed to predict the effect of missense changes on protein structure and function outputs the following: PolyPhen-2: "Possibly Damaging". The glycine amino acid residue is found in multiple mammalian species, which suggests that this missense change does not adversely affect protein function. In summary, the available evidence is currently insufficient to determine the role of this variant in disease. Therefore, it has been classified as a Variant of Uncertain Significance.

Ambry Genetics
Classification: Uncertain significance. Last evaluated: 2024-11-11. Review status: criteria provided, single submitter. Criteria: Ambry Variant Classification Scheme 2023. Collection method: clinical testing. Allele origin: germline.

NM_020923.3(ZDBF2):c.4115A>G (p.Asp1372Gly)

Gene: ZDBF2 (zinc finger DBF-type containing 2; plus strand). Cytogenetic location: 2q33.3.
Variant type: single nucleotide variant.
Coding change: c.4115A>G on transcript NM_020923.3 (MANE Select); coding-DNA position 4115, A replaced by G.
Protein change: p.Asp1372Gly; replaces aspartic acid 1372 with glycine.
Molecular consequence: missense variant.
Genome position (GRCh38, 1-based): chr2:206,308,643, A>G. VCF-style: chr2-206308643-A-G. GRCh37 (hg19) VCF-style: chr2-207173367-A-G.
Other names: c.4109A>G, p.Asp1370Gly (NM_001285549.2); c.4115A>G, p.Asp1372Gly (NM_001369654.1); short protein forms D1370G, D1372G.
Identifiers: ClinVar variation 2293324 (VCV002293324.4), dbSNP rs747341384, ClinGen allele CA2072243.